The following is an entry in ClinVar:

NM_017636.4(TRPM4):c.2572C>T (p.Leu858Phe)

Gene: TRPM4 (transient receptor potential cation channel subfamily M member 4; plus strand). Cytogenetic location: 19q13.33.
Variant type: single nucleotide variant.
Coding change: c.2572C>T on transcript NM_017636.4 (MANE Select); coding-DNA position 2572, C replaced by T.
Protein change: p.Leu858Phe; replaces leucine 858 with phenylalanine.
Molecular consequence: missense variant. On other transcripts: intron variant (1).
Genome position (GRCh38, 1-based): chr19:49,196,801, C>T. VCF-style: chr19-49196801-C-T. GRCh37 (hg19) VCF-style: chr19-49700058-C-T.
Other names: c.2227C>T, p.Leu743Phe (NM_001321281.2); c.964C>T, p.Leu322Phe (NM_001321282.2); c.2050C>T, p.Leu684Phe (NM_001321283.2); c.1510C>T, p.Leu504Phe (NM_001321285.2); c.2211-3499C>T (NM_001195227.2); short protein forms L684F, L743F, L858F, L322F, L504F.
Identifiers: ClinVar variation 3343661 (VCV003343661.1).

ClinVar aggregate classification (germline): Uncertain significance (1 of 4 stars; one submission).

Submission:

GeneDx
Classification: Uncertain significance. Last evaluated: 2023-05-19. Review status: criteria provided, single submitter. Criteria: GeneDx Variant Classification Process June 2021. Collection method: clinical testing. Allele origin: germline. Affected: yes.
Comment: Not observed at significant frequency in large population cohorts (gnomAD); In silico analysis supports that this missense variant has a deleterious effect on protein structure/function; Has not been previously published as pathogenic or benign to our knowledge